The following is an entry in ClinVar:

ClinVar aggregate classification (germline): Pathogenic. Review status: criteria provided, multiple submitters, no conflicts (2 of 4 stars). 4 submissions from 4 submitters: Pathogenic (4). Last evaluated 2025-04-16.

Conditions:
Lissencephaly due to LIS1 mutation (LIS1). Also called: PAFAH1B1-Associated Lissencephaly/Subcortical Band Heterotopia; PAFAH1B1-Related Lissencephaly/Subcortical Band Heterotopia; Isolated Lissencephaly Sequence. Identifiers: Orphanet 95232, MedGen C4749301, MONDO:0011830, OMIM 607432.

Submissions (4):

Labcorp Genetics (formerly Invitae), Labcorp
Classification: Pathogenic. Last evaluated: 2025-04-16. Review status: criteria provided, single submitter. Criteria: Invitae Variant Classification Sherloc (09022015). Collection method: clinical testing. Allele origin: germline.
Comment: This sequence change creates a premature translational stop signal (p.Arg113*) in the PAFAH1B1 gene. It is expected to result in an absent or disrupted protein product. Loss-of-function variants in PAFAH1B1 are known to be pathogenic (PMID: 1671808, 11115846, 14581661). This variant is not present in population databases (gnomAD no frequency). This premature translational stop signal has been observed in individual(s) with lissencephaly (PMID: 19667223). ClinVar contains an entry for this variant (Variation ID: 280047). For these reasons, this variant has been classified as Pathogenic.

Institute of Human Genetics, University of Leipzig Medical Center
Classification: Pathogenic for Lissencephaly due to LIS1 mutation. Last evaluated: 2023-11-07. Review status: criteria provided, single submitter. Criteria: ACMG Guidelines, 2015. Collection method: clinical testing. Allele origin: de novo. Inheritance: Autosomal dominant inheritance. Affected: yes.
Comment: Criteria applied: PVS1,PS2_MOD,PS4_MOD,PM2_SUP

CeGaT Center for Human Genetics Tuebingen
Classification: Pathogenic. Last evaluated: 2019-08-01. Review status: criteria provided, single submitter. Criteria: CeGaT Center For Human Genetics Tuebingen Variant Classification Criteria Version 2. Collection method: clinical testing. Allele origin: germline. Affected: yes. Observed: 3 variant alleles.

GeneDx
Classification: Pathogenic. Last evaluated: 2016-09-26. Review status: criteria provided, single submitter. Criteria: GeneDx Variant Classification (06012015). Collection method: clinical testing. Allele origin: germline. Affected: yes.
Comment: The R113X nonsense variant in the PAFAH1B1 gene has been reported previously in an individual with lissencephaly (Saillour et al., 2009). This pathogenic variant is predicted to cause loss of normal protein function either through protein truncation or nonsense-mediated mRNA decay.

Literature cited by the submitters: PubMed 1671808 (cited by Labcorp Genetics (formerly Invitae), Labcorp); PubMed 11115846 (cited by Labcorp Genetics (formerly Invitae), Labcorp); PubMed 14581661 (cited by Labcorp Genetics (formerly Invitae), Labcorp); PubMed 19667223 (cited by Labcorp Genetics (formerly Invitae), Labcorp).

NM_000430.4(PAFAH1B1):c.337C>T (p.Arg113Ter)

Gene: PAFAH1B1 (platelet activating factor acetylhydrolase 1b regulatory subunit 1; plus strand). Cytogenetic location: 17p13.3.
Variant type: single nucleotide variant.
Coding change: c.337C>T on transcript NM_000430.4 (MANE Select); coding-DNA position 337, C replaced by T.
Protein change: p.Arg113Ter; replaces arginine 113 with a stop codon.
Molecular consequence: nonsense.
Genome position (GRCh38, 1-based): chr17:2,667,136, C>T. VCF-style: chr17-2667136-C-T. GRCh37 (hg19) VCF-style: chr17-2570430-C-T.
Other names: short protein forms R113*.
Identifiers: ClinVar variation 280047 (VCV000280047.49), dbSNP rs886041341, ClinGen allele CA10603585.